The following is an entry in ClinVar:

NM_001371623.1(TCOF1):c.4043G>A (p.Arg1348Gln)

Gene: TCOF1 (treacle ribosome biogenesis factor 1; plus strand). Cytogenetic location: 5q32.
Variant type: single nucleotide variant.
Coding change: c.4043G>A on transcript NM_001371623.1 (MANE Select); coding-DNA position 4043, G replaced by A.
Protein change: p.Arg1348Gln; replaces arginine 1348 with glutamine.
Molecular consequence: missense variant.
Genome position (GRCh38, 1-based): chr5:150,396,540, G>A. VCF-style: chr5-150396540-G-A. GRCh37 (hg19) VCF-style: chr5-149776103-G-A.
Other names: c.3809G>A, p.Arg1270Gln (NM_000356.4); c.4040G>A, p.Arg1347Gln (NM_001135243.2); c.3929G>A, p.Arg1310Gln (NM_001135244.2); c.3812G>A, p.Arg1271Gln (NM_001135245.2); c.3926G>A, p.Arg1309Gln (NM_001195141.2); short protein forms R1270Q, R1271Q, R1309Q, R1310Q, R1347Q, R1348Q.
Identifiers: ClinVar variation 1312198 (VCV001312198.3), dbSNP rs1464731247, ClinGen allele CA361742281.
Genomic context (GRCh38, chr5:150,396,540, plus strand): 5'-GAAAGAAGGTGGTGGACACCACCAAGGAGAGCAGCAGGAAGGGCTGGGAGAGCCGCAAGC[G>A]GAAGCTATCGGGAGACCAGCCAGCTGCCAGGACCCCCAGGAGCAAGAAGAAGAAGAAGCT-3'
Protein context (NP_001358552.1, residues 1338-1358): SSRKGWESRK[Arg1348Gln]KLSGDQPAAR

ClinVar aggregate classification (germline): Uncertain significance. Review status: criteria provided, multiple submitters, no conflicts (2 of 4 stars). 2 submissions from 2 submitters: Uncertain significance (2). Last evaluated 2023-01-23.

Conditions:
TCOF1-related disorder. Also called: TCOF1-related condition.

Allele frequency attached by ClinVar (database versions not stated): gnomAD exomes 0.00001.
gnomAD v4.1: 10 of 1,597,048 alleles (0.00063%); highest among the groups gnomAD compares: Non-Finnish European, 0.00077%; no homozygotes.

Submissions (2):

PreventionGenetics, part of Exact Sciences
Classification: Uncertain significance for TCOF1-related condition. Last evaluated: 2023-01-23. Review status: criteria provided, single submitter. Criteria: ACMG Guidelines, 2015. Collection method: clinical testing. Allele origin: germline.
Comment: The TCOF1 c.4040G>A variant is predicted to result in the amino acid substitution p.Arg1347Gln. To our knowledge, this variant has not been reported in the literature. This variant is reported in 0.0033% of alleles in individuals of Latino descent in gnomAD. At this time, the clinical significance of this variant is uncertain due to the absence of conclusive functional and genetic evidence.

GeneDx
Classification: Uncertain significance. Last evaluated: 2020-02-17. Review status: criteria provided, single submitter. Criteria: GeneDx Variant Classification Process June 2021. Collection method: clinical testing. Allele origin: germline. Affected: yes.
Comment: In silico analysis supports that this missense variant has a deleterious effect on protein structure/function; Has not been previously published as pathogenic or benign to our knowledge